The following is an entry in ClinVar:

ClinVar aggregate classification (germline): Uncertain significance (1 of 4 stars; one submission).

Allele frequency attached by ClinVar (database versions not stated): gnomAD exomes below 0.00001 and 0.00001; gnomAD 0.00001; ExAC 0.00002.
gnomAD v4.1: 3 of 1,607,654 alleles (0.00019%); highest among the groups gnomAD compares: Admixed American, 0.005%; no homozygotes.

Submission:

Labcorp Genetics (formerly Invitae), Labcorp
Classification: Uncertain significance. Last evaluated: 2023-08-10. Review status: criteria provided, single submitter. Criteria: Invitae Variant Classification Sherloc (09022015). Collection method: clinical testing. Allele origin: germline.
Comment: In summary, the available evidence is currently insufficient to determine the role of this variant in disease. Therefore, it has been classified as a Variant of Uncertain Significance. An algorithm developed to predict the effect of missense changes on protein structure and function (PolyPhen-2) suggests that this variant¬†is likely to be tolerated. ClinVar contains an entry for this variant (Variation ID: 1513576). This variant has not been reported in the literature in individuals affected with SAMD11-related conditions. This variant is present in population databases (rs750475157, gnomAD 0.009%). This sequence change replaces leucine, which is neutral and non-polar, with serine, which is neutral and polar, at codon 667 of the SAMD11 protein (p.Leu667Ser).

NM_001385641.1(SAMD11):c.2489T>C (p.Leu830Ser)

Gene: SAMD11 (sterile alpha motif domain containing 11; plus strand). Cytogenetic location: 1p36.33.
Variant type: single nucleotide variant.
Coding change: c.2489T>C on transcript NM_001385641.1 (MANE Select); coding-DNA position 2489, T replaced by C.
Protein change: p.Leu830Ser; replaces leucine 830 with serine.
Molecular consequence: missense variant.
Genome position (GRCh38, 1-based): chr1:944,107, T>C. VCF-style: chr1-944107-T-C. GRCh37 (hg19) VCF-style: chr1-879487-T-C.
Other names: c.2492T>C, p.Leu831Ser (NM_001385640.1); c.2000T>C, p.Leu667Ser (NM_152486.4); short protein forms L667S, L830S, L831S.
Identifiers: ClinVar variation 1513576 (VCV001513576.5), dbSNP rs750475157, ClinGen allele CA503441.